The following is an entry in ClinVar:

NM_001243133.2(NLRP3):c.778C>T (p.Arg260Ter)

Gene: NLRP3 (NLR family pyrin domain containing 3; plus strand). Cytogenetic location: 1q44.
Variant type: single nucleotide variant.
Coding change: c.778C>T on transcript NM_001243133.2 (MANE Select); coding-DNA position 778, C replaced by T.
Protein change: p.Arg260Ter; replaces arginine 260 with a stop codon.
Molecular consequence: nonsense.
Genome position (GRCh38, 1-based): chr1:247,424,227, C>T. VCF-style: chr1-247424227-C-T. GRCh37 (hg19) VCF-style: chr1-247587529-C-T.
Other names: c.778C>T, p.Arg260Ter (NM_001079821.3, NM_001127461.3, NM_001127462.3 and 1 more transcripts); c.784C>T, p.Arg262Ter (NM_004895.5); short protein forms R260W, R262W, R260*, R262*.
Identifiers: ClinVar variation 4374 (VCV000004374.29), dbSNP rs121908150, ClinGen allele CA116784.
Genomic context (GRCh38, chr1:247,424,227, plus strand): 5'-GACTGGGCGTCGGGGACACTCTACCAAGACAGGTTTGACTATCTGTTCTATATCCACTGT[C>T]GAGAGGTGAGCCTTGTGACACAGAGGAGCCTGGGGGACCTGATCATGAGCTGCTGCCCCG-3'

ClinVar aggregate classification (germline): Pathogenic. Review status: criteria provided, multiple submitters, no conflicts (2 of 4 stars). 12 submissions from 11 submitters: Pathogenic (6). 6 of the submissions do not count toward it. Last evaluated 2025-09-30.

Conditions:
NLRP3-related disorder. Also called: NLRP3-related condition; NLRP3-Related Disorders.
Cryopyrin associated periodic syndrome (CAPS). Identifiers: Orphanet 208650, MedGen C2316212, MONDO:0016168.
Autoinflammatory syndrome. Identifiers: Orphanet 93665, MedGen C3890737, MONDO:0019751.
Familial cold autoinflammatory syndrome 1 (FCAS1). Also called: Familial cold inflammatory syndrome 1; CRYOPYRIN-ASSOCIATED PERIODIC SYNDROME 1. Identifiers: Orphanet 47045, MedGen C4551895, MONDO:0007349, OMIM 120100.
Familial amyloid nephropathy with urticaria AND deafness (MWS). Also called: Urticaria, deafness and amyloidosis; UDA SYNDROME; URTICARIA-DEAFNESS-AMYLOIDOSIS SYNDROME; CRYOPYRIN-ASSOCIATED PERIODIC SYNDROME 2; MUCKLE-WELLS SYNDROME. Identifiers: Orphanet 575, MedGen C0268390, MONDO:0008633, OMIM 191900.

Allele frequency attached by ClinVar (database versions not stated): gnomAD exomes below 0.00001; TOPMed below 0.00001.
gnomAD v4.1: 2 of 1,613,990 alleles (0.00012%); highest among the groups gnomAD compares: Non-Finnish European, 0.00017%; no homozygotes.

Submissions (12):

Labcorp Genetics (formerly Invitae), Labcorp
Classification: Pathogenic for Cryopyrin associated periodic syndrome. Last evaluated: 2025-09-30. Review status: criteria provided, single submitter. Criteria: Invitae Variant Classification Sherloc (09022015). Collection method: clinical testing. Allele origin: germline.
Comment: This sequence change replaces arginine, which is basic and polar, with tryptophan, which is neutral and slightly polar, at codon 262 of the NLRP3 protein (p.Arg262Trp). This variant is not present in population databases (gnomAD no frequency). This missense change has been observed in individual(s) with cryopyrin-associated periodic syndromes (CAPS) (PMID: 11992256, 20472245). It has also been observed to segregate with disease in related individuals. This variant is also known as R260W. The NLRP3 gene is also known as CIAS1 in the literature. ClinVar contains an entry for this variant (Variation ID: 4374). Algorithms developed to predict the effect of variants on gene product structure and function are not available or were not evaluated for this variant. Experimental studies have shown that this missense change affects NLRP3 function (PMID: 15020601, 23703389). For these reasons, this variant has been classified as Pathogenic.

Blueprint Genetics
Classification: Pathogenic for NLRP3-related disorders. Last evaluated: 2024-07-04. Review status: criteria provided, single submitter. Criteria: ACMG Guidelines, 2015. Collection method: clinical testing. Allele origin: germline. Affected: yes. Observed: 5 variant alleles.

Clinical Genetics Laboratory, Skane University Hospital Lund
Classification: Pathogenic. Last evaluated: 2022-10-14. Review status: criteria provided, single submitter. Criteria: ACMG Guidelines, 2015. Collection method: clinical testing. Allele origin: germline. Affected: yes.

GeneDx
Classification: Pathogenic. Last evaluated: 2021-11-22. Review status: criteria provided, single submitter. Criteria: GeneDx Variant Classification Process June 2021. Collection method: clinical testing. Allele origin: germline. Affected: yes.
Comment: Not observed at significant frequency in large population cohorts (Lek et al., 2016); In silico analysis, which includes protein predictors and evolutionary conservation, supports a deleterious effect; Also known as p.(R260W); This variant is associated with the following publications: (PMID: 26931528, 29331074, 29196621, 28569730, 20472245, 25596455, 17178985, 24501247, 11992256, 29773275, 28716882, 19302049, 23703389, 15020601, 31086329)

Genome Diagnostics Laboratory, The Hospital for Sick Children
Classification: Pathogenic for Autoinflammatory syndrome. Last evaluated: 2021-03-26. Review status: criteria provided, single submitter. Criteria: ACMG Guidelines, 2015. Collection method: clinical testing. Allele origin: germline. Affected: yes.

ARUP Laboratories, Molecular Genetics and Genomics, ARUP Laboratories
Classification: Pathogenic. Last evaluated: 2019-12-23. Review status: criteria provided, single submitter. Criteria: ARUP Molecular Germline Variant Investigation Process. Collection method: clinical testing. Allele origin: germline.
Comment: The NLRP3 c.784C>T; p.Arg262Trp variant (rs121908150), also known as R260W in traditional nomenclature, is reported in the literature in multiple individuals and segregates with disease in families affected with cryopyrin-associated periodic syndrome (CAPS) (Alejandre 2014, Dode 2002, Lepore 2010, Parker 2016, Rieber 2015). This variant is reported in ClinVar (Variation ID: 4374), and is absent from general population databases (Exome Variant Server, Genome Aggregation Database), indicating it is not a common polymorphism. The arginine at codon 262 is highly conserved, and computational analyses (SIFT, PolyPhen-2) predict that this variant is deleterious. In vitro functional analyses demonstrate defects in inflammasome activation (Rieber 2015). Additionally, other variants at this codon (c.785G>T, p.Arg262Leu; c.785G>C, p.Arg262Pro) have been reported in individuals with CAPS (Neven 2004). Based on available information, this variant is considered to be pathogenic. References: Alejandre N et al. Description of a new family with cryopyrin-associated periodic syndrome: risk of visual loss in patients bearing the R260W mutation. Rheumatology (Oxford). 2014 Jun;53(6):1095-9. Dode C et al. New mutations of CIAS1 that are responsible for Muckle-Wells syndrome and familial cold urticaria: a novel mutation underlies both syndromes. Am J Hum Genet. 2002 Jun;70(6):1498-506. Lepore L et al. Follow-up and quality of life of patients with cryopyrin-associated periodic syndromes treated with Anakinra. J Pediatr. 2010 Aug;157(2):310-315.e1. Neven B et al. Molecular basis of the spectral expression of CIAS1 mutations associated with phagocytic cell-mediated autoinflammatory disorders CINCA/NOMID, MWS, and FCU. Blood. 2004 Apr 1;103(7):2809-15. Parker T et al. Neurology of the cryopyrin-associated periodic fever syndrome. Eur J Neurol. 2016 Jul;23(7):1145-51. Rieber N et al. A functional inflammasome activation assay differentiates patients with pathogenic NLRP3 mutations and symptomatic patients with low penetrance variants. Clin Immunol. 2015 Mar;157(1):56-64.

OMIM
Classification: Pathogenic for MUCKLE-WELLS SYNDROME. Last evaluated: 2002-06-01. Review status: no assertion criteria provided. Collection method: literature only. Allele origin: germline. Not counted in ClinVar's aggregate classification.

OMIM
Classification: Pathogenic for FAMILIAL COLD AUTOINFLAMMATORY SYNDROME 1. Last evaluated: 2002-06-01. Review status: no assertion criteria provided. Collection method: literature only. Allele origin: germline. Not counted in ClinVar's aggregate classification.

Diagnostic Laboratory, Department of Genetics, University Medical Center Groningen
Classification: Pathogenic. Review status: no assertion criteria provided. Collection method: clinical testing. Allele origin: germline. Affected: yes. Study: VKGL Data-share Consensus. Not counted in ClinVar's aggregate classification.

Genome Diagnostics Laboratory, University Medical Center Utrecht
Classification: Pathogenic. Review status: no assertion criteria provided. Collection method: clinical testing. Allele origin: germline. Affected: yes. Study: VKGL Data-share Consensus. Not counted in ClinVar's aggregate classification.

Joint Genome Diagnostic Labs from Nijmegen and Maastricht, Radboudumc and MUMC+
Classification: Pathogenic. Review status: no assertion criteria provided. Collection method: clinical testing. Allele origin: germline. Affected: yes. Study: VKGL Data-share Consensus. Not counted in ClinVar's aggregate classification.

Unité médicale des maladies autoinflammatoires, CHRU Montpellier
No classification provided. Condition: Familial cold urticaria. Review status: no classification provided. Collection method: not provided. Allele origin: unknown. Not counted in ClinVar's aggregate classification.
Comment: also involved in OMIM 191900 and 607115

Literature cited by the submitters: PubMed 11992256 (cited by Labcorp Genetics (formerly Invitae), Labcorp and OMIM); PubMed 20472245 (cited by Labcorp Genetics (formerly Invitae), Labcorp); PubMed 15020601 (cited by Labcorp Genetics (formerly Invitae), Labcorp); PubMed 23703389 (cited by Labcorp Genetics (formerly Invitae), Labcorp).